The following is an entry in ClinVar:

ClinVar aggregate classification (germline): Pathogenic. Review status: criteria provided, single submitter (1 of 4 stars). 2 submissions from 2 submitters: Pathogenic (1). 1 of the submissions does not count toward it. Last evaluated 2025-12-03.

Conditions:
TDRD6-related disorder. Also called: TDRD6-related condition.
Male infertility. Identifiers: MedGen C0021364, MeSH D007248, MONDO:0005372, HP:0003251.

gnomAD v4.1: 589 of 1,599,112 alleles (0.037%); highest among the groups gnomAD compares: Non-Finnish European, 0.026%; 2 homozygotes.

Submissions (2):

Institute of Reproductive Genetics, University of Münster
Classification: Pathogenic for Male infertility. Last evaluated: 2025-12-03. Review status: criteria provided, single submitter. Criteria: Uk Practice Guidelines For Variant Classification V4 01 2020. Collection method: research. Allele origin: germline. Affected: yes. Observed: 1 variant allele.
Comment: The NM_001010870.3:c.484C>T, is a stop-gain variant in TDRD6 which results in the insertion of a premature stop codon at position 162 (PVS1). This variant is rare in gnomAD (PM2_sup); version 4.1.1 and functional analysis demonstrated dysfunction of TDRD6 in the proband’s testicular tissue (PS3_sup). In summary, this variant meets criteria to be classified as pathogenic for male infertility based on the ACMG/ criteria applied, as specified by the UK Best Practice Guidelines for variant classification (PVS1, PM2_sup, PS3_sup).

PreventionGenetics, part of Exact Sciences
Classification: Likely benign for TDRD6-related condition. Last evaluated: 2024-04-18. Review status: no assertion criteria provided. Collection method: clinical testing. Allele origin: germline. Not counted in ClinVar's aggregate classification.
Comment: This variant is classified as likely benign based on ACMG/AMP sequence variant interpretation guidelines (Richards et al. 2015 PMID: 25741868, with internal and published modifications).

NM_001010870.3(TDRD6):c.484C>T (p.Gln162Ter)

Gene: TDRD6 (tudor domain containing 6; plus strand). Cytogenetic location: 6p12.3.
Variant type: single nucleotide variant.
Coding change: c.484C>T on transcript NM_001010870.3 (MANE Select); coding-DNA position 484, C replaced by T.
Protein change: p.Gln162Ter; replaces glutamine 162 with a stop codon.
Molecular consequence: nonsense.
Genome position (GRCh38, 1-based): chr6:46,688,612, C>T. VCF-style: chr6-46688612-C-T. GRCh37 (hg19) VCF-style: chr6-46656349-C-T.
Other names: c.484C>T, p.Gln162Ter (NM_001168359.2); short protein forms Q162*.
Identifiers: ClinVar variation 3357443 (VCV003357443.2).
Genomic context (GRCh38, chr6:46,688,612, plus strand): 5'-GGCTCAGGCGAGCCGCCGCAGCACTGGCCCGCCGACGCCGTGGACTTCCTTAGCAACCTT[C>T]AGGGCAAGGAGGTGCACGGGTGCGTCCTGGACGTGCTGCTGCTCCATCGCCTGGTCCTCC-3'